The following is an entry in ClinVar:

NM_000245.4(MET):c.1423C>T (p.Pro475Ser)

Gene: MET (MET proto-oncogene, receptor tyrosine kinase; plus strand). Cytogenetic location: 7q31.2.
Variant type: single nucleotide variant.
Coding change: c.1423C>T on transcript NM_000245.4 (MANE Select); coding-DNA position 1423, C replaced by T.
Protein change: p.Pro475Ser; replaces proline 475 with serine.
Molecular consequence: missense variant.
Genome position (GRCh38, 1-based): chr7:116,739,980, C>T. VCF-style: chr7-116739980-C-T. GRCh37 (hg19) VCF-style: chr7-116380034-C-T.
Other names: c.1423C>T, p.Pro475Ser (NM_001127500.3, NM_001324401.3); c.133C>T, p.Pro45Ser (NM_001324402.2); short protein forms P45S, P475S.
Identifiers: ClinVar variation 1772310 (VCV001772310.4), dbSNP rs2485637869, ClinGen allele CA368974061.

ClinVar aggregate classification (germline): Uncertain significance. Review status: criteria provided, multiple submitters, no conflicts (2 of 4 stars). 2 submissions from 2 submitters: Uncertain significance (2). Last evaluated 2025-05-12.

Conditions:
Renal cell carcinoma. Identifiers: Orphanet 217071, MedGen C0007134, MeSH D002292, MONDO:0005086, HP:0005584.
Hereditary cancer-predisposing syndrome. Also called: Hereditary Cancer Syndrome; Hereditary neoplastic syndrome; Neoplastic Syndromes, Hereditary; Tumor predisposition. Identifiers: Orphanet 140162, MedGen C0027672, MeSH D009386, MONDO:0015356.

Submissions (2):

Labcorp Genetics (formerly Invitae), Labcorp
Classification: Uncertain significance for Renal cell carcinoma. Last evaluated: 2025-05-12. Review status: criteria provided, single submitter. Criteria: Invitae Variant Classification Sherloc (09022015). Collection method: clinical testing. Allele origin: germline.
Comment: This sequence change replaces proline, which is neutral and non-polar, with serine, which is neutral and polar, at codon 475 of the MET protein (p.Pro475Ser). This variant is not present in population databases (gnomAD no frequency). This variant has not been reported in the literature in individuals affected with MET-related conditions. ClinVar contains an entry for this variant (Variation ID: 1772310). An algorithm developed to predict the effect of missense changes on protein structure and function (PolyPhen-2) suggests that this variant is likely to be disruptive. In summary, the available evidence is currently insufficient to determine the role of this variant in disease. Therefore, it has been classified as a Variant of Uncertain Significance.

Ambry Genetics
Classification: Uncertain significance for Hereditary cancer-predisposing syndrome. Last evaluated: 2025-02-04. Review status: criteria provided, single submitter. Criteria: Ambry Variant Classification Scheme 2023. Collection method: clinical testing. Allele origin: germline.
Comment: The p.P475S variant (also known as c.1423C>T), located in coding exon 3 of the MET gene, results from a C to T substitution at nucleotide position 1423. The proline at codon 475 is replaced by serine, an amino acid with similar properties. This amino acid position is highly conserved in available vertebrate species. In addition, the in silico prediction for this alteration is inconclusive. Based on the available evidence, the clinical significance of this variant remains unclear.